The following is an entry in ClinVar:

ClinVar aggregate classification (germline): Uncertain significance (1 of 4 stars; one submission).

Conditions:
Cardiovascular phenotype. Identifiers: MedGen CN230736.

gnomAD v4.1: 4 of 1,613,988 alleles (0.00025%); highest among the groups gnomAD compares: Non-Finnish European, 0.00034%; no homozygotes.

Submission:

Ambry Genetics
Classification: Uncertain significance for Cardiovascular phenotype. Last evaluated: 2026-01-14. Review status: criteria provided, single submitter. Criteria: Ambry Variant Classification Scheme 2023. Collection method: clinical testing. Allele origin: germline.
Comment: The p.S155F variant (also known as c.464C>T), located in coding exon 3 of the CBL gene, results from a C to T substitution at nucleotide position 464. The serine at codon 155 is replaced by phenylalanine, an amino acid with highly dissimilar properties. This amino acid position is conserved. In addition, this alteration is predicted to be deleterious by in silico analysis. Based on the available evidence, the clinical significance of this variant remains unclear.

NM_005188.4(CBL):c.464C>T (p.Ser155Phe)

Gene: CBL (Cbl proto-oncogene; plus strand). Cytogenetic location: 11q23.3.
Variant type: single nucleotide variant.
Coding change: c.464C>T on transcript NM_005188.4 (MANE Select); coding-DNA position 464, C replaced by T.
Protein change: p.Ser155Phe; replaces serine 155 with phenylalanine.
Molecular consequence: missense variant.
Genome position (GRCh38, 1-based): chr11:119,271,755, C>T. VCF-style: chr11-119271755-C-T. GRCh37 (hg19) VCF-style: chr11-119142465-C-T.
Other names: short protein forms S155F.
Identifiers: ClinVar variation 4843628 (VCV004843628.1).